The following is an entry in ClinVar:

NM_000059.4(BRCA2):c.4940del (p.Thr1647fs)

Gene: BRCA2 (BRCA2 DNA repair associated; plus strand). Cytogenetic location: 13q13.1.
Variant type: Deletion.
Coding change: c.4940del on transcript NM_000059.4 (MANE Select); coding-DNA position 4940, one base deleted (C; older notation c.4940delC).
Protein change: p.Thr1647fs; shifts the reading frame from threonine 1647.
Molecular consequence: frameshift variant.
Genome position (GRCh38, 1-based): chr13:32,339,295, C deleted. VCF-style (leftmost placement, unchanged base first): chr13-32339294-AC-A. GRCh37 (hg19) VCF-style: chr13-32913431-AC-A.
Other names: c.4940delC (NM_000059.3); short protein forms T1647fs.
Identifiers: ClinVar variation 254544 (VCV000254544.2), dbSNP rs886038112, ClinGen allele CA10586530.
Genomic context (GRCh38, chr13:32,339,294, plus strand): 5'-CTCAAAACATCAAAAAGTATCTTTTTGAAAGTTAAAGTACATGAAAATGTAGAAAAAGAA[AC>A]AGCAAAAAGTCCTGCAACTTGTTACACAAATCAGTCCCCTTATTCAGTCATTGAAAATTC-3'

ClinVar aggregate classification (germline): Pathogenic (3 of 4 stars; one submission).

Conditions:
Breast-ovarian cancer, familial, susceptibility to, 2 (BROVCA2). Also called: BRCA2 Hereditary Breast and Ovarian Cancer. Identifiers: Orphanet 145, MedGen C2675520, MONDO:0012933, OMIM 612555. Disease mechanism: loss of function.

Submission:

Evidence-based Network for the Interpretation of Germline Mutant Alleles (ENIGMA)
Classification: Pathogenic for Breast-ovarian cancer, familial, susceptibility to, 2. Last evaluated: 2016-09-08. Review status: reviewed by expert panel. Criteria: ENIGMA BRCA1/2 Classification Criteria (2015). Collection method: curation. Allele origin: germline.
Comment: Variant allele predicted to encode a truncated non-functional protein.